The following is an entry in ClinVar:

NM_005228.5(EGFR):c.2899G>A (p.Glu967Lys)

Gene: EGFR (epidermal growth factor receptor; plus strand). Cytogenetic location: 7p11.2.
Variant type: single nucleotide variant.
Coding change: c.2899G>A on transcript NM_005228.5 (MANE Select); coding-DNA position 2899, G replaced by A.
Protein change: p.Glu967Lys; replaces glutamic acid 967 with lysine.
Molecular consequence: missense variant.
Genome position (GRCh38, 1-based): chr7:55,200,366, G>A. VCF-style: chr7-55200366-G-A. GRCh37 (hg19) VCF-style: chr7-55268059-G-A.
Other names: c.2764G>A, p.Glu922Lys (NM_001346897.2, NM_001346899.2); c.2899G>A, p.Glu967Lys (NM_001346898.2); c.2740G>A, p.Glu914Lys (NM_001346900.2); c.2098G>A, p.Glu700Lys (NM_001346941.2); c.2899G>A (NM_005228.3); short protein forms E700K, E922K, E967K, E914K.
Identifiers: ClinVar variation 1416238 (VCV001416238.9), dbSNP rs2128969901, ClinGen allele CA367581883.

ClinVar aggregate classification (germline): Uncertain significance. Review status: criteria provided, multiple submitters, no conflicts (2 of 4 stars). 2 submissions from 2 submitters: Uncertain significance (2). Last evaluated 2025-08-09.

Conditions:
Hereditary cancer-predisposing syndrome. Also called: Hereditary Cancer Syndrome; Tumor predisposition; Hereditary neoplastic syndrome; Neoplastic Syndromes, Hereditary. Identifiers: Orphanet 140162, MedGen C0027672, MeSH D009386, MONDO:0015356.
EGFR-related lung cancer (EGFR). Identifiers: MedGen CN130014.

Allele frequency attached by ClinVar (database versions not stated): gnomAD exomes below 0.00001.
gnomAD v4.1: 2 of 1,614,004 alleles (0.00012%); highest among the groups gnomAD compares: East Asian, 0.0022%; no homozygotes.

Submissions (2):

Labcorp Genetics (formerly Invitae), Labcorp
Classification: Uncertain significance for EGFR-related lung cancer. Last evaluated: 2025-08-09. Review status: criteria provided, single submitter. Criteria: Invitae Variant Classification Sherloc (09022015). Collection method: clinical testing. Allele origin: germline.
Comment: This sequence change replaces glutamic acid, which is acidic and polar, with lysine, which is basic and polar, at codon 967 of the EGFR protein (p.Glu967Lys). This variant is not present in population databases (gnomAD no frequency). This variant has not been reported in the literature in individuals affected with EGFR-related conditions. ClinVar contains an entry for this variant (Variation ID: 1416238). Invitae Evidence Modeling of protein sequence and biophysical properties (such as structural, functional, and spatial information, amino acid conservation, physicochemical variation, residue mobility, and thermodynamic stability) indicates that this missense variant is expected to disrupt EGFR protein function with a positive predictive value of 80%. In summary, the available evidence is currently insufficient to determine the role of this variant in disease. Therefore, it has been classified as a Variant of Uncertain Significance.

Ambry Genetics
Classification: Uncertain significance for Hereditary cancer-predisposing syndrome. Last evaluated: 2024-12-23. Review status: criteria provided, single submitter. Criteria: Ambry Variant Classification Scheme 2023. Collection method: clinical testing. Allele origin: germline.
Comment: The p.E967K variant (also known as c.2899G>A), located in coding exon 24 of the EGFR gene, results from a G to A substitution at nucleotide position 2899. The glutamic acid at codon 967 is replaced by lysine, an amino acid with similar properties. This amino acid position is highly conserved in available vertebrate species. In addition, the in silico prediction for this alteration is inconclusive. Based on the available evidence, the clinical significance of this variant remains unclear.